The following is an entry in ClinVar:

NM_015910.7(WDPCP):c.499+3A>G

Gene: WDPCP (WD repeat containing planar cell polarity effector; minus strand). Cytogenetic location: 2p15.
Variant type: single nucleotide variant.
Coding change: c.499+3A>G on transcript NM_015910.7 (MANE Select); 3 bases into the intron after coding-DNA position 499, A replaced by G.
Molecular consequence: intron variant.
Genome position (GRCh38, 1-based): chr2:63,439,754, T>C on the plus strand (A>G on the coding strand, the complement: WDPCP is on the minus strand). VCF-style: chr2-63439754-T-C. GRCh37 (hg19) VCF-style: chr2-63666888-T-C.
Other names: c.427+3A>G (NM_001354044.2); c.499+3A>G (NM_001354045.2).
Identifiers: ClinVar variation 2131484 (VCV002131484.4), dbSNP rs2467010702, ClinGen allele CA2576983796.

ClinVar aggregate classification (germline): Uncertain significance (1 of 4 stars; one submission).

Conditions:
Bardet-Biedl syndrome (BBS). Identifiers: Orphanet 110, MedGen C0752166, MONDO:0015229.

Submission:

Labcorp Genetics (formerly Invitae), Labcorp
Classification: Uncertain significance for Bardet-Biedl syndrome. Last evaluated: 2022-04-28. Review status: criteria provided, single submitter. Criteria: Invitae Variant Classification Sherloc (09022015). Collection method: clinical testing. Allele origin: germline.
Comment: This sequence change falls in intron 7 of the WDPCP gene. It does not directly change the encoded amino acid sequence of the WDPCP protein. It affects a nucleotide within the consensus splice site. This variant is not present in population databases (gnomAD no frequency). In summary, the available evidence is currently insufficient to determine the role of this variant in disease. Therefore, it has been classified as a Variant of Uncertain Significance. Variants that disrupt the consensus splice site are a relatively common cause of aberrant splicing (PMID: 17576681, 9536098). Algorithms developed to predict the effect of sequence changes on RNA splicing suggest that this variant may disrupt the consensus splice site. This variant has not been reported in the literature in individuals affected with WDPCP-related conditions.

Literature cited by the submitters: PubMed 17576681; PubMed 9536098.